The following is an entry in ClinVar:

ClinVar aggregate classification (germline): Benign/Likely benign. Review status: criteria provided, multiple submitters, no conflicts (2 of 4 stars). 5 submissions from 5 submitters: Benign (1); Likely benign (4). Last evaluated 2025-03-27.

Conditions:
Hereditary cancer-predisposing syndrome. Also called: Neoplastic Syndromes, Hereditary; Tumor predisposition; Hereditary Cancer Syndrome; Hereditary neoplastic syndrome. Identifiers: Orphanet 140162, MedGen C0027672, MeSH D009386, MONDO:0015356.
Familial adenomatous polyposis 1 (FAP1). Also called: FAMILIAL ADENOMATOUS POLYPOSIS 1, ATTENUATED; POLYPOSIS, ADENOMATOUS INTESTINAL. Identifiers: MedGen C2713442, MONDO:0021056, OMIM 175100. Disease mechanism: loss of function.
Classic or attenuated familial adenomatous polyposis. Identifiers: MedGen CN372698, MONDO:0021057.

Allele frequency attached by ClinVar (database versions not stated): gnomAD 0.00001; TOPMed below 0.00001.
gnomAD v4.1: 1 of 1,613,870 alleles (0.000062%); highest among the groups gnomAD compares: Non-Finnish European, 0.000085%; no homozygotes.

Submissions (5):

Labcorp Genetics (formerly Invitae), Labcorp
Classification: Likely benign for Familial adenomatous polyposis 1. Last evaluated: 2025-03-27. Review status: criteria provided, single submitter. Criteria: Invitae Variant Classification Sherloc (09022015). Collection method: clinical testing. Allele origin: germline.

Myriad Genetics, Inc.
Classification: Benign for Familial adenomatous polyposis 1. Last evaluated: 2024-04-02. Review status: criteria provided, single submitter. Criteria: Myriad Autosomal Dominant, Autosomal Recessive and X-Linked Classification Criteria (2023). Collection method: clinical testing. Allele origin: unknown.
Comment: This variant is considered benign. This variant is a silent/synonymous amino acid change and it is not expected to impact splicing.

All of Us Research Program, National Institutes of Health
Classification: Likely benign for Classic or attenuated familial adenomatous polyposis. Last evaluated: 2023-12-01. Review status: criteria provided, single submitter. Criteria: ACMG Guidelines, 2015. Collection method: clinical testing. Allele origin: germline. Inheritance: Autosomal dominant inheritance. Observed: 2 variant alleles, 2 heterozygotes.
Comment: This study involves interpretation of variants in research participants for the purpose of population health screening. Participant phenotype was not available at the time of variant classification. Additional details can be found in publication PMID: 35346344, PMCID: PMC8962531

Color Diagnostics, LLC DBA Color Health
Classification: Likely benign for Hereditary cancer-predisposing syndrome. Last evaluated: 2018-03-29. Review status: criteria provided, single submitter. Criteria: ACMG Guidelines, 2015. Collection method: clinical testing. Allele origin: germline.

Ambry Genetics
Classification: Likely benign for Hereditary cancer-predisposing syndrome. Last evaluated: 2016-01-06. Review status: criteria provided, single submitter. Criteria: Ambry Variant Classification Scheme 2023. Collection method: clinical testing. Allele origin: germline.

NM_000038.6(APC):c.5698C>T (p.Leu1900=)

Gene: APC (APC regulator of Wnt signaling pathway; plus strand). Cytogenetic location: 5q22.2.
Variant type: single nucleotide variant.
Coding change: c.5698C>T on transcript NM_000038.6 (MANE Select); coding-DNA position 5698, C replaced by T.
Protein change: p.Leu1900=; no amino-acid change (leucine 1900 retained).
Molecular consequence: synonymous variant.
Genome position (GRCh38, 1-based): chr5:112,841,292, C>T. VCF-style: chr5-112841292-C-T. GRCh37 (hg19) VCF-style: chr5-112176989-C-T.
Other names: c.5698C>T, p.Leu1900= (NM_001127510.3, NM_001354895.2); c.5644C>T, p.Leu1882= (NM_001127511.3); c.5752C>T, p.Leu1918= (NM_001354896.2); c.5728C>T, p.Leu1910= (NM_001354897.2); c.5623C>T, p.Leu1875= (NM_001354898.2); c.5614C>T, p.Leu1872= (NM_001354899.2); c.5575C>T, p.Leu1859= (NM_001354900.2); c.5521C>T, p.Leu1841= (NM_001354901.2); and 5 more.
Identifiers: ClinVar variation 485108 (VCV000485108.21), dbSNP rs944332850, ClinGen allele CA125167799.
Genomic context (GRCh38, chr5:112,841,292, plus strand): 5'-GAATTAAGAAAGGCAAAAGAAAATAAGGAATCAGAGGCTAAAGTTACCAGCCACACAGAA[C>T]TAACCTCCAACCAACAATCAGCTAATAAGACACAAGCTATTGCAAAGCAGCCAATAAATC-3'
Protein context (NP_000029.2, residues 1890-1910): SEAKVTSHTE[Leu1900=]TSNQQSANKT